The following is an entry in ClinVar:

ClinVar aggregate classification (germline): Uncertain significance (1 of 4 stars; one submission).

Allele frequency attached by ClinVar (database versions not stated): TOPMed 0.00001; gnomAD 0.00002.
gnomAD v4.1: 4 of 1,531,818 alleles (0.00026%); highest among the groups gnomAD compares: African/African-American, 0.0055%; no homozygotes.

Submission:

Labcorp Genetics (formerly Invitae), Labcorp
Classification: Uncertain significance. Last evaluated: 2022-07-05. Review status: criteria provided, single submitter. Criteria: Invitae Variant Classification Sherloc (09022015). Collection method: clinical testing. Allele origin: germline.
Comment: This sequence change replaces leucine, which is neutral and non-polar, with valine, which is neutral and non-polar, at codon 123 of the TBCK protein (p.Leu123Val). This variant is present in population databases (no rsID available, gnomAD 0.01%). This variant has not been reported in the literature in individuals affected with TBCK-related conditions. Algorithms developed to predict the effect of missense changes on protein structure and function are either unavailable or do not agree on the potential impact of this missense change (SIFT: "Deleterious"; PolyPhen-2: "Probably Damaging"; Align-GVGD: "Class C0"). In summary, the available evidence is currently insufficient to determine the role of this variant in disease. Therefore, it has been classified as a Variant of Uncertain Significance.

NM_001163435.3(TBCK):c.367C>G (p.Leu123Val)

Gene: TBCK (TBC1 domain containing kinase; minus strand). Cytogenetic location: 4q24.
Variant type: single nucleotide variant.
Coding change: c.367C>G on transcript NM_001163435.3 (MANE Select); coding-DNA position 367, C replaced by G.
Protein change: p.Leu123Val; replaces leucine 123 with valine.
Molecular consequence: missense variant. On other transcripts: 5 prime UTR variant (1), intron variant (1).
Genome position (GRCh38, 1-based): chr4:106,262,112, G>C on the plus strand (C>G on the coding strand, the complement: TBCK is on the minus strand). VCF-style: chr4-106262112-G-C. GRCh37 (hg19) VCF-style: chr4-107183269-G-C.
Other names: c.367C>G, p.Leu123Val (NM_001163436.4, NM_001163437.3); c.-251C>G (NM_001290768.2); c.267-10105C>G (NM_033115.5); short protein forms L123V.
Identifiers: ClinVar variation 1927527 (VCV001927527.2), dbSNP rs1013224771, ClinGen allele CA103416675.